The following is an entry in ClinVar:

ClinVar aggregate classification (germline): Likely pathogenic (1 of 4 stars; one submission).

Submission:

GeneDx
Classification: Likely pathogenic. Last evaluated: 2022-12-21. Review status: criteria provided, single submitter. Criteria: GeneDx Variant Classification Process June 2021. Collection method: clinical testing. Allele origin: germline. Affected: yes.
Comment: Not observed at significant frequency in large population cohorts (gnomAD); In silico analysis supports that this missense variant has a deleterious effect on protein structure/function; Has not been previously published as pathogenic or benign to our knowledge

NM_003403.5(YY1):c.985G>C (p.Glu329Gln)

Gene: YY1 (YY1 transcription factor; plus strand). Cytogenetic location: 14q32.2.
Variant type: single nucleotide variant.
Coding change: c.985G>C on transcript NM_003403.5 (MANE Select); coding-DNA position 985, G replaced by C.
Protein change: p.Glu329Gln; replaces glutamic acid 329 with glutamine.
Molecular consequence: missense variant.
Genome position (GRCh38, 1-based): chr14:100,276,571, G>C. VCF-style: chr14-100276571-G-C. GRCh37 (hg19) VCF-style: chr14-100742908-G-C.
Other names: short protein forms E329Q.
Identifiers: ClinVar variation 1329515 (VCV001329515.2), dbSNP rs2139604219, ClinGen allele CA390968729.
Genomic context (GRCh38, chr14:100,276,571, plus strand): 5'-GATAACTCGGCCATGAGAAAACATCTGCACACCCACGGTCCCAGAGTCCACGTCTGTGCA[G>C]AATGTGGCAAAGCTTTTGTTGAGAGTTCAAAACTAAAACGACACCAACTGGTTCATACTG-3'
Protein context (NP_003394.1, residues 319-339): THGPRVHVCA[Glu329Gln]CGKAFVESSK